The following is an entry in ClinVar:

ClinVar aggregate classification (germline): Likely benign (1 of 4 stars; one submission).

Conditions:
Coffin-Siris syndrome. Identifiers: Orphanet 1465, MedGen C0265338, MONDO:0015452.
Small cell carcinoma of the ovary, hypercalcemic type. Identifiers: MedGen C4013716.
Rhabdoid tumor predisposition syndrome 2 (RTPS2). Identifiers: Orphanet 231108, Orphanet 69077, MedGen C2750074, MONDO:0013224, OMIM 613325.

Allele frequency attached by ClinVar (database versions not stated): gnomAD exomes 0.00001.

Submission:

Labcorp Genetics (formerly Invitae), Labcorp
Classification: Likely benign for Rhabdoid tumor predisposition syndrome 2. Last evaluated: 2023-09-19. Review status: criteria provided, single submitter. Criteria: Invitae Variant Classification Sherloc (09022015). Collection method: clinical testing. Allele origin: germline.

NM_003072.5(SMARCA4):c.4533+6C>A

Gene: SMARCA4 (SWI/SNF related BAF chromatin remodeling complex subunit ATPase 4; plus strand). Cytogenetic location: 19p13.2.
Variant type: single nucleotide variant.
Coding change: c.4533+6C>A on transcript NM_003072.5 (MANE Select); 6 bases into the intron after coding-DNA position 4533, C replaced by A.
Molecular consequence: intron variant.
Genome position (GRCh38, 1-based): chr19:11,058,369, C>A. VCF-style: chr19-11058369-C-A. GRCh37 (hg19) VCF-style: chr19-11169045-C-A.
Other names: c.4533+6C>A (NM_001128844.3); c.4629+6C>A (NM_001128849.3, NM_001387283.1); c.4434+6C>A (NM_001128847.4, NM_001374457.1); c.4443+6C>A (NM_001128845.2); c.4440+6C>A (NM_001128846.2); c.4431+6C>A (NM_001128848.2).
Identifiers: ClinVar variation 571659 (VCV000571659.12), dbSNP rs1311909722, ClinGen allele CA631768979.